The following is an entry in ClinVar:

NM_020937.4(FANCM):c.730C>A (p.Leu244Ile)

Gene: FANCM (FA complementation group M; plus strand). Cytogenetic location: 14q21.2.
Variant type: single nucleotide variant.
Coding change: c.730C>A on transcript NM_020937.4 (MANE Select); coding-DNA position 730, C replaced by A.
Protein change: p.Leu244Ile; replaces leucine 244 with isoleucine.
Molecular consequence: missense variant. On other transcripts: intron variant (1).
Genome position (GRCh38, 1-based): chr14:45,140,680, C>A. VCF-style: chr14-45140680-C-A. GRCh37 (hg19) VCF-style: chr14-45609883-C-A.
Other names: c.681+3439C>A (NM_001308133.2); c.730C>A, p.Leu244Ile (NM_001308134.2); short protein forms L244I.
Identifiers: ClinVar variation 4254593 (VCV004254593.1).

ClinVar aggregate classification (germline): Uncertain significance (1 of 4 stars; one submission).

Conditions:
Inborn genetic diseases. Identifiers: MedGen C0950123, MeSH D030342.

Submission:

Ambry Genetics
Classification: Uncertain significance for Inborn genetic diseases. Last evaluated: 2025-07-14. Review status: criteria provided, single submitter. Criteria: Ambry Variant Classification Scheme 2023. Collection method: clinical testing. Allele origin: germline.
Comment: The p.L244I variant (also known as c.730C>A), located in coding exon 3 of the FANCM gene, results from a C to A substitution at nucleotide position 730. The leucine at codon 244 is replaced by isoleucine, an amino acid with highly similar properties. This amino acid position is conserved. In addition, this alteration is predicted to be tolerated by in silico analysis. Based on the available evidence, the clinical significance of this variant remains unclear.